The following is an entry in ClinVar:

ClinVar aggregate classification (germline): Uncertain significance (1 of 4 stars; one submission).

Submission:

GeneDx
Classification: Uncertain significance. Last evaluated: 2024-12-09. Review status: criteria provided, single submitter. Criteria: GeneDx Variant Classification Process June 2021. Collection method: clinical testing. Allele origin: germline. Affected: yes.
Comment: Not observed at significant frequency in large population cohorts (gnomAD); In silico analysis indicates that this missense variant does not alter protein structure/function; Has not been previously published as pathogenic or benign to our knowledge

NM_001364905.1(LRBA):c.6330+4663G>T

Genes: LRBA (LPS responsive beige-like anchor protein; minus strand), MAB21L2 (mab-21 like 2; plus strand). Cytogenetic location: 4q31.3.
Variant type: single nucleotide variant.
Coding change: c.6330+4663G>T on transcript NM_001364905.1 (MANE Select); 4663 bases into the intron after coding-DNA position 6330, G replaced by T.
Molecular consequence: intron variant. On other transcripts: missense variant (1).
Genome position (GRCh38, 1-based): chr4:150,583,385, C>A on the plus strand (G>T on the coding strand, the complement: LRBA is on the minus strand). VCF-style: chr4-150583385-C-A. GRCh37 (hg19) VCF-style: chr4-151504537-C-A.
Other names: c.356C>A, p.Ala119Glu (NM_006439.5); c.6330+4663G>T (NM_001367550.1, NM_001199282.3, NM_001440431.1); c.6363+4663G>T (NM_006726.5, NM_001440430.1); short protein forms A119E.
Identifiers: ClinVar variation 3901461 (VCV003901461.1).
Genomic context (GRCh38, chr4:150,583,385, plus strand): 5'-TGCTCAAACTGAGCGATGGGCGGAAGCGGAGCATGTCTCTCTGGGTCGAGTTCATCACGG[C>A]GTCGGGCTATCTCTCAGCGCGTAAGATCCGCTCGCGTTTCCAGACGCTGGTGGCCCAGGC-3'